The following is an entry in ClinVar:

ClinVar aggregate classification (germline): Conflicting classifications of pathogenicity. Review status: criteria provided, conflicting classifications (1 of 4 stars). 2 submissions from 2 submitters: Likely pathogenic (1); Uncertain significance (1). Last evaluated 2025-09-03.

Conditions:
Metachromatic leukodystrophy (MLD). Also called: ARSA DEFICIENCY; CEREBROSIDE SULFATASE DEFICIENCY; METACHROMATIC LEUKOENCEPHALOPATHY; Arylsulfatase A Deficiency; SULFATIDE LIPIDOSIS; Cerebral sclerosis diffuse metachromatic form. Identifiers: Orphanet 512, MedGen C0023522, MONDO:0018868, OMIM 250100.

gnomAD v4.1: 1 of 1,614,124 alleles (0.000062%); highest among the groups gnomAD compares: South Asian, 0.0011%; no homozygotes.

Submissions (2):

Labcorp Genetics (formerly Invitae), Labcorp
Classification: Likely pathogenic for Metachromatic leukodystrophy. Last evaluated: 2025-09-03. Review status: criteria provided, single submitter. Criteria: Invitae Variant Classification Sherloc (09022015). Collection method: clinical testing. Allele origin: germline.
Comment: This sequence change replaces arginine, which is basic and polar, with leucine, which is neutral and non-polar, at codon 246 of the ARSA protein (p.Arg246Leu). This variant is not present in population databases (gnomAD no frequency). This variant has not been reported in the literature in individuals affected with ARSA-related conditions. ClinVar contains an entry for this variant (Variation ID: 2581426). Invitae Evidence Modeling of protein sequence and biophysical properties (such as structural, functional, and spatial information, amino acid conservation, physicochemical variation, residue mobility, and thermodynamic stability) indicates that this missense variant is expected to disrupt ARSA protein function with a positive predictive value of 95%. This variant disrupts the p.Arg246 amino acid residue in ARSA. Other variant(s) that disrupt this residue have been determined to be pathogenic (PMID: 9090526, 22993277, 25965562, 26462614). This suggests that this residue is clinically significant, and that variants that disrupt this residue are likely to be disease-causing. In summary, the currently available evidence indicates that the variant is pathogenic, but additional data are needed to prove that conclusively. Therefore, this variant has been classified as Likely Pathogenic.

Women's Health and Genetics/Laboratory Corporation of America, LabCorp
Classification: Uncertain significance. Last evaluated: 2025-07-23. Review status: criteria provided, single submitter. Criteria: LabCorp Variant Classification Summary - May 2015. Collection method: clinical testing. Allele origin: germline.
Comment: Variant summary: ARSA c.737G>T (p.Arg246Leu) results in a non-conservative amino acid change located in the Sulfatase, N-terminal (IPR000917) of the encoded protein sequence. Algorithms developed to predict the effect of missense changes on protein structure and function all suggest that this variant is likely to be disruptive. The variant was absent in 251028 control chromosomes. To our knowledge, no occurrence of c.737G>T in individuals affected with Metachromatic Leukodystrophy and no experimental evidence demonstrating its impact on protein function have been reported. ClinVar contains an entry for this variant (Variation ID: 2581426). Based on the evidence outlined above, the variant was classified as VUS-possibly pathogenic.

Literature cited by the submitters: PubMed 9090526 (cited by Labcorp Genetics (formerly Invitae), Labcorp); PubMed 22993277 (cited by Labcorp Genetics (formerly Invitae), Labcorp); PubMed 25965562 (cited by Labcorp Genetics (formerly Invitae), Labcorp); PubMed 26462614 (cited by Labcorp Genetics (formerly Invitae), Labcorp).

NM_000487.6(ARSA):c.737G>T (p.Arg246Leu)

Gene: ARSA (arylsulfatase A; minus strand). Cytogenetic location: 22q13.33.
Variant type: single nucleotide variant.
Coding change: c.737G>T on transcript NM_000487.6 (MANE Select); coding-DNA position 737, G replaced by T.
Protein change: p.Arg246Leu; replaces arginine 246 with leucine.
Molecular consequence: missense variant.
Genome position (GRCh38, 1-based): chr22:50,626,708, C>A on the plus strand (G>T on the coding strand, the complement: ARSA is on the minus strand). VCF-style: chr22-50626708-C-A. GRCh37 (hg19) VCF-style: chr22-51065136-C-A.
Other names: c.737G>T, p.Arg246Leu (NM_001085425.3, NM_001085426.3, NM_001085427.3); c.479G>T, p.Arg160Leu (NM_001085428.3, NM_001362782.2); short protein forms R160L, R246L.
Identifiers: ClinVar variation 2581426 (VCV002581426.5), dbSNP rs199476366, ClinGen allele CA412176470.